The following is an entry in ClinVar:

NM_020975.6(RET):c.274A>G (p.Thr92Ala)

Gene: RET (ret proto-oncogene; plus strand). Cytogenetic location: 10q11.21.
Variant type: single nucleotide variant.
Coding change: c.274A>G on transcript NM_020975.6 (MANE Select); coding-DNA position 274, A replaced by G.
Protein change: p.Thr92Ala; replaces threonine 92 with alanine.
Molecular consequence: missense variant.
Genome position (GRCh38, 1-based): chr10:43,100,659, A>G. VCF-style: chr10-43100659-A-G. GRCh37 (hg19) VCF-style: chr10-43596107-A-G.
Other names: c.274A>G, p.Thr92Ala (NM_000323.2, NM_001406743.1, NM_001406744.1 and 34 more transcripts); short protein forms T92A.
Identifiers: ClinVar variation 1493320 (VCV001493320.17), dbSNP rs1188786351, ClinGen allele CA376770465.

ClinVar aggregate classification (germline): Uncertain significance. Review status: criteria provided, multiple submitters, no conflicts (2 of 4 stars). 4 submissions from 4 submitters: Uncertain significance (4). Last evaluated 2026-07-16.

Conditions:
Multiple endocrine neoplasia, type 2 (MEN2). Identifiers: Orphanet 653, MedGen C4048306, MONDO:0019003. Disease mechanism: gain of function.
Hereditary cancer-predisposing syndrome. Also called: Neoplastic Syndromes, Hereditary; Hereditary neoplastic syndrome; Tumor predisposition; Hereditary Cancer Syndrome. Identifiers: Orphanet 140162, MedGen C0027672, MeSH D009386, MONDO:0015356.

Allele frequency attached by ClinVar (database versions not stated): gnomAD exomes below 0.00001.

Submissions (4):

GeneDx
Classification: Uncertain significance. Last evaluated: 2026-07-16. Review status: criteria provided, single submitter. Criteria: GeneDx Variant Classification Process June 2021. Collection method: clinical testing. Allele origin: germline.
Comment: Not observed at significant frequency in large population cohorts (gnomAD); In silico analysis suggests that this missense variant does not alter protein structure/function; Has not been previously published as pathogenic or benign to our knowledge; This variant is associated with the following publications: (PMID: 14633923)

Ambry Genetics
Classification: Uncertain significance for Hereditary cancer-predisposing syndrome. Last evaluated: 2025-12-04. Review status: criteria provided, single submitter. Criteria: Ambry Variant Classification Scheme 2023. Collection method: clinical testing. Allele origin: germline.
Comment: The p.T92A variant (also known as c.274A>G), located in coding exon 2 of the RET gene, results from an A to G substitution at nucleotide position 274. The threonine at codon 92 is replaced by alanine, an amino acid with similar properties. This amino acid position is conserved. In addition, this alteration is predicted to be tolerated by in silico analysis. Based on the available evidence, the clinical significance of this variant remains unclear.

Labcorp Genetics (formerly Invitae), Labcorp
Classification: Uncertain significance for Multiple endocrine neoplasia, type 2. Last evaluated: 2024-04-24. Review status: criteria provided, single submitter. Criteria: Invitae Variant Classification Sherloc (09022015). Collection method: clinical testing. Allele origin: germline.
Comment: This sequence change replaces threonine, which is neutral and polar, with alanine, which is neutral and non-polar, at codon 92 of the RET protein (p.Thr92Ala). This variant is present in population databases (no rsID available, gnomAD 0.003%). This variant has not been reported in the literature in individuals affected with RET-related conditions. ClinVar contains an entry for this variant (Variation ID: 1493320). An algorithm developed to predict the effect of missense changes on protein structure and function (PolyPhen-2) suggests that this variant is likely to be tolerated. In summary, the available evidence is currently insufficient to determine the role of this variant in disease. Therefore, it has been classified as a Variant of Uncertain Significance.

All of Us Research Program, National Institutes of Health
Classification: Uncertain significance for Multiple endocrine neoplasia, type 2. Last evaluated: 2023-05-31. Review status: criteria provided, single submitter. Criteria: ACMG Guidelines, 2015. Collection method: clinical testing. Allele origin: germline. Inheritance: Autosomal dominant inheritance. Observed: 1 variant allele, 1 heterozygote.
Comment: This study involves interpretation of variants in research participants for the purpose of population health screening. Participant phenotype was not available at the time of variant classification. Additional details can be found in publication PMID: 35346344, PMCID: PMC8962531